The following is an entry in ClinVar:

NM_000019.4(ACAT1):c.134dup (p.Ser46fs)

Gene: ACAT1 (acetyl-CoA acetyltransferase 1; plus strand). Cytogenetic location: 11q22.3.
Variant type: Duplication.
Coding change: c.134dup on transcript NM_000019.4 (MANE Select); coding-DNA position 134, one base duplicated (T; older notation c.134dupT).
Protein change: p.Ser46fs; shifts the reading frame from serine 46.
Molecular consequence: frameshift variant. On other transcripts: 5 prime UTR variant (10), non-coding transcript variant (2), intron variant (1).
Genome position (GRCh38, 1-based): chr11:108,133,833, T duplicated. VCF-style (leftmost placement, unchanged base first): chr11-108133832-G-GT. GRCh37 (hg19) VCF-style: chr11-108004559-G-GT.
Other names: c.134dup, p.Ser46fs (NM_001386677.1); c.-144dup (NM_001386679.1); c.-137dup (NM_001386681.1, NM_001386682.1, NM_001386685.1 and 6 more transcripts); c.120+1879dup (NM_001386678.1); short protein forms S46fs.
Identifiers: ClinVar variation 1457479 (VCV001457479.7), dbSNP rs1444451434, ClinGen allele CA671406811.

ClinVar aggregate classification (germline): Pathogenic/Likely pathogenic. Review status: criteria provided, multiple submitters, no conflicts (2 of 4 stars). 2 submissions from 2 submitters: Pathogenic (1); Likely pathogenic (1). Last evaluated 2025-06-12.

Conditions:
Deficiency of acetyl-CoA acetyltransferase. Also called: MITOCHONDRIAL ACETOACETYL-CoA THIOLASE DEFICIENCY; 3-KETOTHIOLASE DEFICIENCY; 3-OXOTHIOLASE DEFICIENCY; Beta-ketothiolase deficiency. Identifiers: Orphanet 134, MedGen C1536500, MONDO:0008760, OMIM 203750. Disease mechanism: loss of function.

Allele frequency attached by ClinVar (database versions not stated): gnomAD exomes below 0.00001; TOPMed below 0.00001.

Submissions (2):

Labcorp Genetics (formerly Invitae), Labcorp
Classification: Pathogenic for Deficiency of acetyl-CoA acetyltransferase. Last evaluated: 2025-06-12. Review status: criteria provided, single submitter. Criteria: Invitae Variant Classification Sherloc (09022015). Collection method: clinical testing. Allele origin: germline.
Comment: This sequence change creates a premature translational stop signal (p.Ser46Lysfs*21) in the ACAT1 gene. It is expected to result in an absent or disrupted protein product. Loss-of-function variants in ACAT1 are known to be pathogenic (PMID: 7749408). This variant is not present in population databases (gnomAD no frequency). This variant has not been reported in the literature in individuals affected with ACAT1-related conditions. ClinVar contains an entry for this variant (Variation ID: 1457479). Algorithms developed to predict the effect of sequence changes on RNA splicing suggest that this variant may disrupt the consensus splice site. For these reasons, this variant has been classified as Pathogenic.

Baylor Genetics
Classification: Likely pathogenic for Deficiency of acetyl-CoA acetyltransferase. Last evaluated: 2023-05-11. Review status: criteria provided, single submitter. Criteria: ACMG Guidelines, 2015. Collection method: clinical testing. Allele origin: unknown.

Literature cited by the submitters: PubMed 7749408 (cited by Labcorp Genetics (formerly Invitae), Labcorp).